The following is an entry in ClinVar:

NM_000520.6(HEXA):c.607T>G (p.Trp203Gly)

Gene: HEXA (hexosaminidase subunit alpha; minus strand). Cytogenetic location: 15q23.
Variant type: single nucleotide variant.
Coding change: c.607T>G on transcript NM_000520.6 (MANE Select); coding-DNA position 607, T replaced by G.
Protein change: p.Trp203Gly; replaces tryptophan 203 with glycine.
Molecular consequence: missense variant. On other transcripts: non-coding transcript variant (1).
Genome position (GRCh38, 1-based): chr15:72,351,198, A>C on the plus strand (T>G on the coding strand, the complement: HEXA is on the minus strand). VCF-style: chr15-72351198-A-C. GRCh37 (hg19) VCF-style: chr15-72643539-A-C.
Other names: c.607T>G (NM_000520.5); c.640T>G, p.Trp214Gly (NM_001318825.2); short protein forms W203G, W214G.
Identifiers: ClinVar variation 556070 (VCV000556070.8), dbSNP rs1002712424, ClinGen allele CA272612807.

ClinVar aggregate classification (germline): Pathogenic/Likely pathogenic. Review status: criteria provided, multiple submitters, no conflicts (2 of 4 stars). 3 submissions from 3 submitters: Pathogenic (1); Likely pathogenic (1). 1 of the submissions does not count toward it. Last evaluated 2025-10-14.

Conditions:
Tay-Sachs disease (TSD). Also called: HEXA Disorders; HEXA DEFICIENCY; Hexosaminidase A Deficiency; GM2 gangliosidosis, type 1; Hexosaminidase alpha-subunit deficiency (variant B); Sphingolipidosis, Tay-Sachs. Identifiers: Orphanet 845, MedGen C0039373, MONDO:0010100, OMIM 272800.

Allele frequency attached by ClinVar (database versions not stated): gnomAD exomes below 0.00001; gnomAD 0.00001; TOPMed 0.00001.
gnomAD v4.1: 2 of 1,612,822 alleles (0.00012%); highest among the groups gnomAD compares: Non-Finnish European, 0.00017%; no homozygotes.

Submissions (3):

Natera, Inc.
Classification: Likely pathogenic for Tay-Sachs disease. Last evaluated: 2025-10-14. Review status: criteria provided, single submitter. Criteria: Natera Variant Classification Schema (03/2026). Collection method: clinical testing. Allele origin: germline.
Comment: The c.607T>G variant in HEXA is a missense variant predicted to cause substitution of tryptophan to glycine at amino acid 203. This variant is rare in the general population with a frequency below the threshold expected for the associated phenotype(s). This variant has been observed in one or more individuals affected with the associated recessive disease, as either homozygous or compound heterozygous with a second variant (PMID: 16088929). This variant has been identified in one or more affected individual with a phenotype highly consistent with the associated gene (PMID: 16088929). Computational prediction algorithms indicate this variant is likely to affect gene or protein function. Given the available evidence, this variant is classified as Likely Pathogenic.

Labcorp Genetics (formerly Invitae), Labcorp
Classification: Pathogenic for Tay-Sachs disease. Last evaluated: 2025-08-18. Review status: criteria provided, single submitter. Criteria: Invitae Variant Classification Sherloc (09022015). Collection method: clinical testing. Allele origin: germline.
Comment: This sequence change replaces tryptophan, which is neutral and slightly polar, with glycine, which is neutral and non-polar, at codon 203 of the HEXA protein (p.Trp203Gly). This variant is not present in population databases (gnomAD no frequency). This missense change has been observed in individual(s) with Tay-Sachs disease (PMID: 16088929). ClinVar contains an entry for this variant (Variation ID: 556070). Invitae Evidence Modeling of protein sequence and biophysical properties (such as structural, functional, and spatial information, amino acid conservation, physicochemical variation, residue mobility, and thermodynamic stability) indicates that this missense variant is expected to disrupt HEXA protein function with a positive predictive value of 95%. For these reasons, this variant has been classified as Pathogenic.

Counsyl
Classification: Uncertain significance for Tay-Sachs disease. Last evaluated: 2018-01-12. Review status: no assertion criteria provided. Collection method: clinical testing. Allele origin: unknown. Not counted in ClinVar's aggregate classification.

Literature cited by the submitters: PubMed 16088929 (cited by 3 submitters).